The following is an entry in ClinVar:

ClinVar aggregate classification (germline): Uncertain significance. Review status: criteria provided, multiple submitters, no conflicts (2 of 4 stars). 2 submissions from 2 submitters: Uncertain significance (2). Last evaluated 2025-10-07.

Conditions:
Gastrointestinal stromal tumor. Also called: Gastrointestinal stromal tumor, somatic; Gastrointestinal stroma tumor. Identifiers: Orphanet 44890, MedGen C0238198, MeSH D046152, MONDO:0011719, OMIM 606764, HP:0100723.
Pheochromocytoma. Also called: MAX-Related Hereditary Paraganglioma-Pheochromocytoma Syndrome. Identifiers: Orphanet 29072, MedGen C0031511, MONDO:0008233, OMIM 171300, HP:0002666.
Pheochromocytoma/paraganglioma syndrome 4. Also called: Paragangliomas 4; PARAGANGLIOMA, FAMILIAL MALIGNANT; PARAGANGLIOMAS, HEREDITARY EXTRAADRENAL; PHEOCHROMOCYTOMA, FAMILIAL EXTRAADRENAL; SDHB-Related Hereditary Paraganglioma-Pheochromocytoma Syndrome; CAROTID BODY TUMORS AND MULTIPLE EXTRAADRENAL PHEOCHROMOCYTOMAS. Identifiers: Orphanet 29072, MedGen C1861848, MONDO:0007273, OMIM 115310.
Hereditary cancer-predisposing syndrome. Also called: Tumor predisposition; Neoplastic Syndromes, Hereditary; Hereditary Cancer Syndrome; Hereditary neoplastic syndrome. Identifiers: Orphanet 140162, MedGen C0027672, MeSH D009386, MONDO:0015356.

gnomAD v4.1: 13 of 1,613,196 alleles (0.00081%); highest among the groups gnomAD compares: Non-Finnish European, 0.0011%; no homozygotes.

Submissions (2):

Labcorp Genetics (formerly Invitae), Labcorp
Classification: Uncertain significance for Gastrointestinal stromal tumor; Pheochromocytoma/paraganglioma syndrome 4; Pheochromocytoma. Last evaluated: 2025-10-07. Review status: criteria provided, single submitter. Criteria: Invitae Variant Classification Sherloc (09022015). Collection method: clinical testing. Allele origin: germline.
Comment: This sequence change replaces threonine, which is neutral and polar, with asparagine, which is neutral and polar, at codon 17 of the SDHB protein (p.Thr17Asn). This variant is not present in population databases (gnomAD no frequency). This variant has not been reported in the literature in individuals affected with SDHB-related conditions. ClinVar contains an entry for this variant (Variation ID: 142827). Invitae Evidence Modeling of protein sequence and biophysical properties (such as structural, functional, and spatial information, amino acid conservation, physicochemical variation, residue mobility, and thermodynamic stability) indicates that this missense variant is not expected to disrupt SDHB protein function with a negative predictive value of 95%. In summary, the available evidence is currently insufficient to determine the role of this variant in disease. Therefore, it has been classified as a Variant of Uncertain Significance.

Ambry Genetics
Classification: Uncertain significance for Hereditary cancer-predisposing syndrome. Last evaluated: 2024-09-08. Review status: criteria provided, single submitter. Criteria: Ambry Variant Classification Scheme 2023. Collection method: clinical testing. Allele origin: germline.
Comment: The p.T17N variant (also known as c.50C>A), located in coding exon 1 of the SDHB gene, results from a C to A substitution at nucleotide position 50. The threonine at codon 17 is replaced by asparagine, an amino acid with similar properties. This amino acid position is poorly conserved in available vertebrate species. In addition, this alteration is predicted to be tolerated by in silico analysis. Since supporting evidence is limited at this time, the clinical significance of this alteration remains unclear.

NM_003000.3(SDHB):c.50C>A (p.Thr17Asn)

Genes: SDHB (succinate dehydrogenase complex iron sulfur subunit B; minus strand), LOC129929542 (ATAC-STARR-seq lymphoblastoid active region 277; plus strand). Cytogenetic location: 1p36.13.
Variant type: single nucleotide variant.
Coding change: c.50C>A on transcript NM_003000.3 (MANE Select); coding-DNA position 50, C replaced by A.
Protein change: p.Thr17Asn; replaces threonine 17 with asparagine.
Molecular consequence: missense variant.
Genome position (GRCh38, 1-based): chr1:17,053,970, G>T on the plus strand (C>A on the coding strand, the complement: SDHB is on the minus strand). VCF-style: chr1-17053970-G-T. GRCh37 (hg19) VCF-style: chr1-17380465-G-T.
Other names: short protein forms T17N.
Identifiers: ClinVar variation 142827 (VCV000142827.13), dbSNP rs138979875, ClinGen allele CA015929.